The following is an entry in ClinVar:

ClinVar aggregate classification (germline): Uncertain significance (1 of 4 stars; one submission).

Allele frequency attached by ClinVar (database versions not stated): ExAC 0.00001.

Submission:

Ambry Genetics
Classification: Uncertain significance. Last evaluated: 2024-03-14. Review status: criteria provided, single submitter. Criteria: Ambry Variant Classification Scheme 2023. Collection method: clinical testing. Allele origin: germline.
Comment: The p.K1022Q variant (also known as c.3064A>C), located in coding exon 16 of the POLQ gene, results from an A to C substitution at nucleotide position 3064. The lysine at codon 1022 is replaced by glutamine, an amino acid with similar properties. This amino acid position is conserved. In addition, this alteration is predicted to be tolerated by in silico analysis. Since supporting evidence is limited at this time, the clinical significance of this alteration remains unclear.

NM_199420.4(POLQ):c.3064A>C (p.Lys1022Gln)

Gene: POLQ (DNA polymerase theta; minus strand). Cytogenetic location: 3q13.33.
Variant type: single nucleotide variant.
Coding change: c.3064A>C on transcript NM_199420.4 (MANE Select); coding-DNA position 3064, A replaced by C.
Protein change: p.Lys1022Gln; replaces lysine 1022 with glutamine.
Molecular consequence: missense variant.
Genome position (GRCh38, 1-based): chr3:121,489,867, T>G on the plus strand (A>C on the coding strand, the complement: POLQ is on the minus strand). VCF-style: chr3-121489867-T-G. GRCh37 (hg19) VCF-style: chr3-121208714-T-G.
Other names: short protein forms K1022Q.
Identifiers: ClinVar variation 1799406 (VCV001799406.2), dbSNP rs778951372, ClinGen allele CA2563132.